The following is an entry in ClinVar:

ClinVar aggregate classification (germline): Uncertain significance. Review status: criteria provided, multiple submitters, no conflicts (2 of 4 stars). 3 submissions from 3 submitters: Uncertain significance (3). Last evaluated 2025-03-17.

Conditions:
Inborn genetic diseases. Identifiers: MedGen C0950123, MeSH D030342.
TBX3-related disorder. Also called: TBX3-related condition.
Ulnar-mammary syndrome (UMS). Also called: SCHINZEL SYNDROME; Ulnar-mammary syndrome of Pallister; PALLISTER ULNAR-MAMMARY SYNDROME. Identifiers: Orphanet 3138, MedGen C1866994, MONDO:0008411, OMIM 181450.

Allele frequency attached by ClinVar (database versions not stated): gnomAD 0.00003; TOPMed 0.00003; gnomAD exomes 0.00008.

Submissions (3):

Labcorp Genetics (formerly Invitae), Labcorp
Classification: Uncertain significance for Ulnar-mammary syndrome. Last evaluated: 2025-03-17. Review status: criteria provided, single submitter. Criteria: Invitae Variant Classification Sherloc (09022015). Collection method: clinical testing. Allele origin: germline.
Comment: This sequence change replaces glycine, which is neutral and non-polar, with glutamic acid, which is acidic and polar, at codon 495 of the TBX3 protein (p.Gly495Glu). The frequency data for this variant in the population databases is considered unreliable, as metrics indicate poor data quality at this position in the gnomAD database. This variant has not been reported in the literature in individuals affected with TBX3-related conditions. ClinVar contains an entry for this variant (Variation ID: 2053636). An algorithm developed to predict the effect of missense changes on protein structure and function (PolyPhen-2) suggests that this variant is likely to be tolerated. In summary, the available evidence is currently insufficient to determine the role of this variant in disease. Therefore, it has been classified as a Variant of Uncertain Significance.

Ambry Genetics
Classification: Uncertain significance for Inborn genetic diseases. Last evaluated: 2024-02-28. Review status: criteria provided, single submitter. Criteria: Ambry Variant Classification Scheme 2023. Collection method: clinical testing. Allele origin: germline.

PreventionGenetics, part of Exact Sciences
Classification: Uncertain significance for TBX3-related condition. Last evaluated: 2022-09-28. Review status: criteria provided, single submitter. Criteria: ACMG Guidelines, 2015. Collection method: clinical testing. Allele origin: germline.
Comment: The TBX3 c.1544G>A variant is predicted to result in the amino acid substitution p.Gly515Glu. To our knowledge, this variant has not been reported in the literature. This variant is reported in 0.0039% of alleles in individuals of European (Non-Finnish) descent in gnomAD. At this time, the clinical significance of this variant is uncertain due to the absence of conclusive functional and genetic evidence.

NM_005996.4(TBX3):c.1484G>A (p.Gly495Glu)

Gene: TBX3 (T-box transcription factor 3; minus strand). Cytogenetic location: 12q24.21.
Variant type: single nucleotide variant.
Coding change: c.1484G>A on transcript NM_005996.4 (MANE Select); coding-DNA position 1484, G replaced by A.
Protein change: p.Gly495Glu; replaces glycine 495 with glutamic acid.
Molecular consequence: missense variant.
Genome position (GRCh38, 1-based): chr12:114,674,391, C>T on the plus strand (G>A on the coding strand, the complement: TBX3 is on the minus strand). VCF-style: chr12-114674391-C-T. GRCh37 (hg19) VCF-style: chr12-115112196-C-T.
Other names: c.1544G>A (NM_016569.3); c.1544G>A, p.Gly515Glu (NM_016569.4); short protein forms G515E, G495E.
Identifiers: ClinVar variation 2053636 (VCV002053636.6), dbSNP rs1321883287, ClinGen allele CA386868846.